The following is an entry in ClinVar:

ClinVar aggregate classification (germline): Benign/Likely benign. Review status: criteria provided, multiple submitters, no conflicts (2 of 4 stars). 8 submissions from 7 submitters: Benign (7); Likely benign (1). Last evaluated 2026-02-01.

Conditions:
Cone-rod dystrophy 13 (CORD13). Identifiers: Orphanet 1872, MedGen C2750720, MONDO:0011987, OMIM 608194.
Leber congenital amaurosis 6 (LCA6). Identifiers: Orphanet 65, MedGen C1854260, MONDO:0013446, OMIM 613826.
Leber congenital amaurosis 1 (LCA1). Also called: RETINAL BLINDNESS, CONGENITAL; AMAUROSIS CONGENITA OF LEBER I; Congenital absence of the rods and cones; Leber's congenital tapetoretinal degeneration; Leber's congenital tapetoretinal dysplasia. Identifiers: Orphanet 65, MedGen C2931258, MONDO:0008764, OMIM 204000.

Allele frequency attached by ClinVar (database versions not stated): gnomAD exomes 0.00085 and 0.00236; ExAC 0.00292; gnomAD 0.00947 and 0.01022; 1000 Genomes Project 0.01018; ESP Exome Variant Server 0.01026; TOPMed 0.01088; 1000 Genomes Project 30x 0.01140.

Submissions (8):

Labcorp Genetics (formerly Invitae), Labcorp
Classification: Benign for Leber congenital amaurosis 6; Cone-rod dystrophy 13. Last evaluated: 2026-02-01. Review status: criteria provided, single submitter. Criteria: Invitae Variant Classification Sherloc (09022015). Collection method: clinical testing. Allele origin: germline.

Women's Health and Genetics/Laboratory Corporation of America, LabCorp
Classification: Likely benign. Last evaluated: 2022-05-03. Review status: criteria provided, single submitter. Criteria: LabCorp Variant Classification Summary - May 2015. Collection method: clinical testing. Allele origin: germline.

Mendelics
Classification: Benign for Leber congenital amaurosis 1. Last evaluated: 2019-05-28. Review status: criteria provided, single submitter. Criteria: Mendelics Assertion Criteria 2017. Collection method: clinical testing. Allele origin: unknown.

ARUP Laboratories, Molecular Genetics and Genomics, ARUP Laboratories
Classification: Benign. Last evaluated: 2018-07-05. Review status: criteria provided, single submitter. Criteria: ARUP Molecular Germline Variant Investigation Process. Collection method: clinical testing. Allele origin: germline.

Illumina Laboratory Services, Illumina
Classification: Benign for Cone-rod dystrophy 13. Last evaluated: 2017-10-10. Review status: criteria provided, single submitter. Criteria: ICSL Variant Classification Criteria 13 December 2019. Collection method: clinical testing. Allele origin: germline.
Comment: This variant was observed as part of a predisposition screen in an ostensibly healthy population. A literature search was performed for the gene, cDNA change, and amino acid change (where applicable). Publications were found based on this search. The evidence from the literature, in combination with allele frequency data from public databases where available, was sufficient to rule this variant out of causing disease. Therefore, this variant is classified as benign.

Illumina Laboratory Services, Illumina
Classification: Benign for Leber congenital amaurosis 6. Last evaluated: 2017-10-10. Review status: criteria provided, single submitter. Criteria: ICSL Variant Classification Criteria 13 December 2019. Collection method: clinical testing. Allele origin: germline.
Comment: This variant was observed as part of a predisposition screen in an ostensibly healthy population. A literature search was performed for the gene, cDNA change, and amino acid change (where applicable). No publications were found based on this search. Allele frequency data from public databases was too high to be consistent with this variant causing disease. Therefore, this variant is classified as benign.

Eurofins Ntd Llc (ga)
Classification: Benign. Last evaluated: 2016-10-17. Review status: criteria provided, single submitter. Criteria: EGL Classification Definitions 2015. Collection method: clinical testing. Allele origin: germline. Observed: 2 variant alleles, 1 heterozygote, 1 homozygote.

Breakthrough Genomics
Classification: Benign. Review status: criteria provided, single submitter. Criteria: ACMG Guidelines, 2015. Collection method: not provided. Allele origin: germline. Inheritance: Autosomal recessive inheritance. Affected: yes.

Literature cited by the submitters: PubMed 27884173 (cited by Illumina Laboratory Services, Illumina); PubMed 16123401 (cited by Illumina Laboratory Services, Illumina); PubMed 21224891 (cited by Illumina Laboratory Services, Illumina); PubMed 22277662 (cited by Illumina Laboratory Services, Illumina).

NM_020366.4(RPGRIP1):c.2417C>T (p.Thr806Ile)

Gene: RPGRIP1 (RPGR interacting protein 1; plus strand). Cytogenetic location: 14q11.2.
Variant type: single nucleotide variant.
Coding change: c.2417C>T on transcript NM_020366.4 (MANE Select); coding-DNA position 2417, C replaced by T.
Protein change: p.Thr806Ile; replaces threonine 806 with isoleucine.
Molecular consequence: missense variant. On other transcripts: intron variant (4).
Genome position (GRCh38, 1-based): chr14:21,325,880, C>T. VCF-style: chr14-21325880-C-T. GRCh37 (hg19) VCF-style: chr14-21794039-C-T.
Other names: c.1343C>T, p.Thr448Ile (NM_001377948.1); c.796+1155C>T (NM_001377949.1); c.689-1743C>T (NM_001377523.1, NM_001377950.1); c.191-1743C>T (NM_001377951.1); short protein forms T806I, T448I.
Identifiers: ClinVar variation 497540 (VCV000497540.29), dbSNP rs142796310, ClinGen allele CA7089255.